The following is an entry in ClinVar:

NM_152305.3(POGLUT1):c.457-2A>G

Gene: POGLUT1 (protein O-glucosyltransferase 1; plus strand). Cytogenetic location: 3q13.33.
Variant type: single nucleotide variant.
Coding change: c.457-2A>G on transcript NM_152305.3 (MANE Select); the canonical splice acceptor site of the intron before coding-DNA position 457, A replaced by G.
Molecular consequence: splice acceptor variant. On other transcripts: non-coding transcript variant (1).
Genome position (GRCh38, 1-based): chr3:119,480,049, A>G. VCF-style: chr3-119480049-A-G. GRCh37 (hg19) VCF-style: chr3-119198896-A-G.
Identifiers: ClinVar variation 4730038 (VCV004730038.1).

ClinVar aggregate classification (germline): Likely pathogenic (1 of 4 stars; one submission).

gnomAD v4.1: 1 of 1,613,652 alleles (0.000062%); highest among the groups gnomAD compares: Non-Finnish European, 0.000085%; no homozygotes.

Submission:

Labcorp Genetics (formerly Invitae), Labcorp
Classification: Likely pathogenic. Last evaluated: 2025-10-27. Review status: criteria provided, single submitter. Criteria: Invitae Variant Classification Sherloc (09022015). Collection method: clinical testing. Allele origin: germline.
Comment: This sequence change affects an acceptor splice site in intron 4 of the POGLUT1 gene. It is expected to disrupt RNA splicing. Variants that disrupt the donor or acceptor splice site typically lead to a loss of protein function (PMID: 16199547), and loss-of-function variants in POGLUT1 are known to be pathogenic (PMID: 24387993). This variant is not present in population databases (gnomAD no frequency). This variant has not been reported in the literature in individuals affected with POGLUT1-related conditions. Algorithms developed to predict the effect of sequence changes on RNA splicing suggest that this variant may disrupt the consensus splice site. In summary, the currently available evidence indicates that the variant is pathogenic, but additional data are needed to prove that conclusively. Therefore, this variant has been classified as Likely Pathogenic.

Literature cited by the submitters: PubMed 16199547; PubMed 24387993.